The following is an entry in ClinVar:

ClinVar aggregate classification (germline): Likely pathogenic (1 of 4 stars; one submission).

Conditions:
COG5-congenital disorder of glycosylation. Also called: CONGENITAL DISORDER OF GLYCOSYLATION, TYPE IIi; COG5-CDG; CDG IIi. Identifiers: Orphanet 263487, MedGen C3150876, MONDO:0013325, OMIM 613612.

Submission:

Labcorp Genetics (formerly Invitae), Labcorp
Classification: Likely pathogenic for COG5-congenital disorder of glycosylation. Last evaluated: 2024-04-05. Review status: criteria provided, single submitter. Criteria: Invitae Variant Classification Sherloc (09022015). Collection method: clinical testing. Allele origin: germline.
Comment: This sequence change affects a splice site in intron 11 of the COG5 gene. It is expected to disrupt RNA splicing. Variants that disrupt the donor or acceptor splice site typically lead to a loss of protein function (PMID: 16199547), and loss-of-function variants in COG5 are known to be pathogenic (PMID: 23228021). This variant is not present in population databases (gnomAD no frequency). This variant has not been reported in the literature in individuals affected with COG5-related conditions. Algorithms developed to predict the effect of sequence changes on RNA splicing suggest that this variant may disrupt the consensus splice site. In summary, the currently available evidence indicates that the variant is pathogenic, but additional data are needed to prove that conclusively. Therefore, this variant has been classified as Likely Pathogenic.

Literature cited by the submitters: PubMed 16199547; PubMed 23228021.

NM_006348.5(COG5):c.1108+1_1108+2del

Gene: COG5 (component of oligomeric golgi complex 5; minus strand). Cytogenetic location: 7q22.3.
Variant type: Deletion.
Coding change: c.1108+1_1108+2del on transcript NM_006348.5 (MANE Select); the canonical splice donor site of the intron after coding-DNA position 1108, 2 bases deleted (GT; older notation c.1108+1_1108+2delGT).
Molecular consequence: splice donor variant. On other transcripts: intron variant (1).
Genome position (GRCh38, 1-based): chr7:107,324,438-107,324,439, AC deleted on the plus strand (GT on the coding strand, the reverse complement: COG5 is on the minus strand); deleting any 2 consecutive bases within chr7:107,324,438-107,324,440 gives the same sequence; the c. name uses the placement nearest the transcript's 3' end. VCF-style (leftmost placement, unchanged base first): chr7-107324437-TAC-T. GRCh37 (hg19) VCF-style: chr7-106964882-TAC-T.
Other names: c.394+1_394+2del (NM_001379516.1); c.539-26093_539-26092del (NM_001379515.1); c.1108+1_1108+2del (NM_001379511.1, NM_001379512.1, NM_181733.4 and 3 more transcripts).
Identifiers: ClinVar variation 3685149 (VCV003685149.2).